The following is an entry in ClinVar:

ClinVar aggregate classification (germline): Uncertain significance (1 of 4 stars; one submission).

Conditions:
Blau syndrome (BLAUS). Also called: ARTHROCUTANEOUVEAL GRANULOMATOSIS; GRANULOMATOSIS, FAMILIAL JUVENILE SYSTEMIC; GRANULOMATOSIS, FAMILIAL, BLAU TYPE; GRANULOMATOUS INFLAMMATORY ARTHRITIS, DERMATITIS, AND UVEITIS, FAMILIAL; JABS SYNDROME. Identifiers: Orphanet 90340, MedGen C5201146, MONDO:0008523, OMIM 186580.
Regional enteritis. Also called: Enteritis, Granulomatous. Identifiers: MedGen C0678202, MeSH D003424.

Allele frequency attached by ClinVar (database versions not stated): gnomAD 0.00001.
gnomAD v4.1: 11 of 1,614,148 alleles (0.00068%); highest among the groups gnomAD compares: Non-Finnish European, 0.00068%; no homozygotes.

Submission:

Labcorp Genetics (formerly Invitae), Labcorp
Classification: Uncertain significance for Regional enteritis; Blau syndrome. Last evaluated: 2026-01-11. Review status: criteria provided, single submitter. Criteria: Invitae Variant Classification Sherloc (09022015). Collection method: clinical testing. Allele origin: germline.
Comment: This sequence change replaces alanine, which is neutral and non-polar, with threonine, which is neutral and polar, at codon 886 of the NOD2 protein (p.Ala886Thr). This variant is not present in population databases (gnomAD no frequency). This variant has not been reported in the literature in individuals affected with NOD2-related conditions. ClinVar contains an entry for this variant (Variation ID: 1419833). Invitae Evidence Modeling of protein sequence and biophysical properties (such as structural, functional, and spatial information, amino acid conservation, physicochemical variation, residue mobility, and thermodynamic stability) indicates that this missense variant is not expected to disrupt NOD2 protein function with a negative predictive value of 95%. In summary, the available evidence is currently insufficient to determine the role of this variant in disease. Therefore, it has been classified as a Variant of Uncertain Significance.

NM_001370466.1(NOD2):c.2575G>A (p.Ala859Thr)

Gene: NOD2 (nucleotide binding oligomerization domain containing 2; plus strand). Cytogenetic location: 16q12.1.
Variant type: single nucleotide variant.
Coding change: c.2575G>A on transcript NM_001370466.1 (MANE Select); coding-DNA position 2575, G replaced by A.
Protein change: p.Ala859Thr; replaces alanine 859 with threonine.
Molecular consequence: missense variant. On other transcripts: non-coding transcript variant (1).
Genome position (GRCh38, 1-based): chr16:50,719,950, G>A. VCF-style: chr16-50719950-G-A. GRCh37 (hg19) VCF-style: chr16-50753861-G-A.
Other names: c.2575G>A, p.Ala859Thr (NM_001293557.2); c.2656G>A, p.Ala886Thr (NM_022162.3); short protein forms A886T, A859T.
Identifiers: ClinVar variation 1419833 (VCV001419833.7), dbSNP rs376366287, ClinGen allele CA395874316.